The following is an entry in ClinVar:

NM_001291303.3(FAT4):c.7131A>C (p.Ala2377=)

Gene: FAT4 (FAT atypical cadherin 4; plus strand). Cytogenetic location: 4q28.1.
Variant type: single nucleotide variant.
Coding change: c.7131A>C on transcript NM_001291303.3 (MANE Select); coding-DNA position 7131, A replaced by C.
Protein change: p.Ala2377=; no amino-acid change (alanine 2377 retained).
Molecular consequence: synonymous variant.
Genome position (GRCh38, 1-based): chr4:125,434,357, A>C. VCF-style: chr4-125434357-A-C. GRCh37 (hg19) VCF-style: chr4-126355512-A-C.
Other names: c.7131A>C (NM_024582.4); c.7131A>C, p.Ala2377= (NM_001291285.3, NM_024582.6).
Identifiers: ClinVar variation 2044031 (VCV002044031.6), dbSNP rs138403046, ClinGen allele CA441205034.

ClinVar aggregate classification (germline): Likely benign. Review status: criteria provided, multiple submitters, no conflicts (2 of 4 stars). 3 submissions from 3 submitters: Likely benign (3). Last evaluated 2025-10-08.

Conditions:
FAT4-related disorder. Also called: FAT4-related condition.

gnomAD v4.1: 20 of 1,613,976 alleles (0.0012%); highest among the groups gnomAD compares: Non-Finnish European, 0.0014%; no homozygotes.

Submissions (3):

Labcorp Genetics (formerly Invitae), Labcorp
Classification: Likely benign. Last evaluated: 2025-10-08. Review status: criteria provided, single submitter. Criteria: Invitae Variant Classification Sherloc (09022015). Collection method: clinical testing. Allele origin: germline.

PreventionGenetics, part of Exact Sciences
Classification: Likely benign for FAT4-related condition. Last evaluated: 2024-12-08. Review status: criteria provided, single submitter. Criteria: ACMG Guidelines, 2015. Collection method: clinical testing. Allele origin: germline.
Comment: This variant is classified as likely benign based on ACMG/AMP sequence variant interpretation guidelines (Richards et al. 2015 PMID: 25741868, with internal and published modifications).

Blueprint Genetics
Classification: Likely benign. Last evaluated: 2022-06-27. Review status: criteria provided, single submitter. Criteria: ACMG Guidelines, 2015. Collection method: clinical testing. Allele origin: germline.